The following is an entry in ClinVar:

NM_014363.6(SACS):c.8690G>A (p.Trp2897Ter)

Gene: SACS (sacsin molecular chaperone; minus strand). Cytogenetic location: 13q12.12.
Variant type: single nucleotide variant.
Coding change: c.8690G>A on transcript NM_014363.6 (MANE Select); coding-DNA position 8690, G replaced by A.
Protein change: p.Trp2897Ter; replaces tryptophan 2897 with a stop codon.
Molecular consequence: nonsense.
Genome position (GRCh38, 1-based): chr13:23,335,186, C>T on the plus strand (G>A on the coding strand, the complement: SACS is on the minus strand). VCF-style: chr13-23335186-C-T. GRCh37 (hg19) VCF-style: chr13-23909325-C-T.
Other names: c.8249G>A, p.Trp2750Ter (NM_001278055.2); c.8717G>A, p.Trp2906Ter (NM_001437336.1); short protein forms W2897*, W2750*, W2906*.
Identifiers: ClinVar variation 5003235 (VCV005003235.1).

ClinVar aggregate classification (germline): Pathogenic (1 of 4 stars; one submission).

Conditions:
Charlevoix-Saguenay spastic ataxia (SACS). Also called: SPASTIC ATAXIA 6, AUTOSOMAL RECESSIVE; AUTOSOMAL RECESSIVE SPASTIC ATAXIA OF CHARLEVOIX-SAGUENAY; Spastic ataxia of Charlevoix-Saguenay. Identifiers: Orphanet 98, MedGen C1849140, MONDO:0010041, OMIM 270550.

Submission:

Myriad Genetics, Inc.
Classification: Pathogenic for Charlevoix-Saguenay spastic ataxia. Last evaluated: 2026-01-27. Review status: criteria provided, single submitter. Criteria: Myriad Autosomal Dominant, Autosomal Recessive and X-Linked Classification Criteria (2023). Collection method: clinical testing. Allele origin: unknown.
Comment: NM_014363.4(SACS):c.8690G>A(W2897*) is a nonsense variant classified as pathogenic in the context of autosomal recessive spastic ataxia of Charlevoix-Saguenay. W2897* has not been observed in cases with relevant disease. Relevant functional assessments of this variant are not available in the literature. W2897* has not been observed in referenced population frequency databases. In summary, NM_014363.4(SACS):c.8690G>A(W2897*) is a nonsense variant in a gene where loss of function is a known mechanism of disease and is predicted to disrupt protein function. Please note: this variant was assessed in the context of healthy population screening.